The following is an entry in ClinVar:

NM_017654.4(SAMD9):c.976del (p.Gln326fs)

Gene: SAMD9 (sterile alpha motif domain containing 9; minus strand). Cytogenetic location: 7q21.2.
Variant type: Deletion.
Coding change: c.976del on transcript NM_017654.4 (MANE Select); coding-DNA position 976, one base deleted (C; older notation c.976delC).
Protein change: p.Gln326fs; shifts the reading frame from glutamine 326.
Molecular consequence: frameshift variant.
Genome position (GRCh38, 1-based): chr7:93,105,122, G deleted on the plus strand (C on the coding strand, the reverse complement: SAMD9 is on the minus strand). VCF-style (leftmost placement, unchanged base first): chr7-93105121-TG-T. GRCh37 (hg19) VCF-style: chr7-92734434-TG-T.
Other names: c.976del, p.Gln326fs (NM_001193307.2); short protein forms Q326fs.
Identifiers: ClinVar variation 2671833 (VCV002671833.1), dbSNP rs2535361498, ClinGen allele CA2695199577.

ClinVar aggregate classification (germline): Likely pathogenic (1 of 4 stars; one submission).

Conditions:
MIRAGE syndrome. Also called: MYELODYSPLASIA, INFECTION, RESTRICTION OF GROWTH, ADRENAL HYPOPLASIA, GENITAL PHENOTYPES, AND ENTEROPATHY. Identifiers: Orphanet 494433, MedGen C4284088, MONDO:0014888, OMIM 617053.

Submission:

Diagnostics Services (NGS), CSIR - Centre For Cellular And Molecular Biology
Classification: Likely pathogenic for MIRAGE syndrome. Last evaluated: 2023-12-11. Review status: criteria provided, single submitter. Criteria: ACMG Guidelines, 2015. Collection method: clinical testing. Allele origin: unknown. Affected: yes. Observed: 1 variant allele, 1 heterozygote.
Comment: The c.976del variant is not present in publicly available population databases like 1000 Genomes, EVS, ExAC, gnomAD, Indian Exome Database or our in-house exome database. This variant has neither been reported in the literature in individuals affected with SAMD9-related conditions nor reported to the clinical databases like Human Genome Mutation Database (HGMD), ClinVar or OMIM, in any affected individuals. In-silico pathogenicity prediction programs like MutationTaster2, CADD, Varsome, Franklin etc predicted this variant to be likely deleterious. This variant causes frameshift at the 326th amino acid position of the wild-type transcript that creates a premature translational stop codon in the altered transcript that may either result in translation of a truncated protein or cause nonsense mediated decay of the mRNA.